The following is an entry in ClinVar:

ClinVar aggregate classification (germline): Pathogenic/Likely pathogenic. Review status: criteria provided, multiple submitters, no conflicts (2 of 4 stars). 3 submissions from 3 submitters: Pathogenic (2); Likely pathogenic (1). Last evaluated 2025-09-09.

Conditions:
Hereditary cancer-predisposing syndrome. Also called: Neoplastic Syndromes, Hereditary; Hereditary Cancer Syndrome; Tumor predisposition; Hereditary neoplastic syndrome. Identifiers: Orphanet 140162, MedGen C0027672, MeSH D009386, MONDO:0015356.
Bloom syndrome (BLM). Also called: Bloom-Torre-Machacek syndrome. Identifiers: Orphanet 125, MedGen C0005859, MONDO:0008876, OMIM 210900.

Allele frequency attached by ClinVar (database versions not stated): gnomAD exomes below 0.00001; gnomAD 0.00001.
gnomAD v4.1: 1 of 1,613,884 alleles (0.000062%); highest among the groups gnomAD compares: African/African-American, 0.0013%; no homozygotes.

Submissions (3):

Labcorp Genetics (formerly Invitae), Labcorp
Classification: Pathogenic for Bloom syndrome. Last evaluated: 2025-09-09. Review status: criteria provided, single submitter. Criteria: Invitae Variant Classification Sherloc (09022015). Collection method: clinical testing. Allele origin: germline.
Comment: This sequence change creates a premature translational stop signal (p.Glu352*) in the BLM gene. It is expected to result in an absent or disrupted protein product. Loss-of-function variants in BLM are known to be pathogenic (PMID: 17407155). This variant is not present in population databases (gnomAD no frequency). This variant has not been reported in the literature in individuals affected with BLM-related conditions. ClinVar contains an entry for this variant (Variation ID: 1380069). For these reasons, this variant has been classified as Pathogenic.

Fulgent Genetics
Classification: Likely pathogenic for Bloom syndrome. Last evaluated: 2024-05-09. Review status: criteria provided, single submitter. Criteria: ACMG Guidelines, 2015. Collection method: clinical testing. Allele origin: germline.

Ambry Genetics
Classification: Pathogenic for Hereditary cancer-predisposing syndrome. Last evaluated: 2023-06-23. Review status: criteria provided, single submitter. Criteria: Ambry Variant Classification Scheme 2023. Collection method: clinical testing. Allele origin: germline.
Comment: The p.E352* pathogenic mutation (also known as c.1054G>T), located in coding exon 4 of the BLM gene, results from a G to T substitution at nucleotide position 1054. This changes the amino acid from a glutamic acid to a stop codon within coding exon 4. This variant is considered to be rare based on population cohorts in the Genome Aggregation Database (gnomAD). This alteration is expected to result in loss of function by premature protein truncation or nonsense-mediated mRNA decay. As such, this alteration is interpreted as a disease-causing mutation.

Literature cited by the submitters: PubMed 17407155 (cited by Labcorp Genetics (formerly Invitae), Labcorp).

NM_000057.4(BLM):c.1054G>T (p.Glu352Ter)

Gene: BLM (BLM RecQ like helicase; plus strand). Cytogenetic location: 15q26.1.
Variant type: single nucleotide variant.
Coding change: c.1054G>T on transcript NM_000057.4 (MANE Select); coding-DNA position 1054, G replaced by T.
Protein change: p.Glu352Ter; replaces glutamic acid 352 with a stop codon.
Molecular consequence: nonsense. On other transcripts: 5 prime UTR variant (1).
Genome position (GRCh38, 1-based): chr15:90,754,905, G>T. VCF-style: chr15-90754905-G-T. GRCh37 (hg19) VCF-style: chr15-91298135-G-T.
Other names: c.1054G>T, p.Glu352Ter (NM_001287246.2, NM_001287247.2); c.-238G>T (NM_001287248.2); c.1054G>T (NM_000057.2); short protein forms E352*.
Identifiers: ClinVar variation 1380069 (VCV001380069.9), dbSNP rs369583279, ClinGen allele CA393842193.
Genomic context (GRCh38, chr15:90,754,905, plus strand): 5'-GAGGATGTTCTTAGCACATCAAAAGATCTTTTGTCAAAACCTGAGAAAATGAGTATGCAG[G>T]AGCTGAATCCAGAAACCAGCACAGACTGTGACGGTACAAGCAATATTTTAGACATACCAT-3'